The following is an entry in ClinVar:

ClinVar aggregate classification (germline): Uncertain significance (1 of 4 stars; one submission).

Submission:

Ambry Genetics
Classification: Uncertain significance. Last evaluated: 2025-05-31. Review status: criteria provided, single submitter. Criteria: Ambry Variant Classification Scheme 2023. Collection method: clinical testing. Allele origin: germline.
Comment: The p.P616L variant (also known as c.1847C>T), located in coding exon 8 of the RNF43 gene, results from a C to T substitution at nucleotide position 1847. The proline at codon 616 is replaced by leucine, an amino acid with similar properties. This amino acid position is conserved. In addition, this alteration is predicted to be tolerated by in silico analysis. Based on the available evidence, the clinical significance of this variant remains unclear.

NM_017763.6(RNF43):c.1847C>T (p.Pro616Leu)

Gene: RNF43 (ring finger protein 43; minus strand). Cytogenetic location: 17q22.
Variant type: single nucleotide variant.
Coding change: c.1847C>T on transcript NM_017763.6 (MANE Select); coding-DNA position 1847, C replaced by T.
Protein change: p.Pro616Leu; replaces proline 616 with leucine.
Molecular consequence: missense variant.
Genome position (GRCh38, 1-based): chr17:58,357,929, G>A on the plus strand (C>T on the coding strand, the complement: RNF43 is on the minus strand). VCF-style: chr17-58357929-G-A. GRCh37 (hg19) VCF-style: chr17-56435290-G-A.
Other names: c.1847C>T, p.Pro616Leu (NM_001305544.3); c.1466C>T, p.Pro489Leu (NM_001305545.2); short protein forms P616L, P489L.
Identifiers: ClinVar variation 3946925 (VCV003946925.1).